The following is an entry in ClinVar:

NM_000466.3(PEX1):c.301del (p.Val101fs)

Gene: PEX1 (peroxisomal biogenesis factor 1; minus strand). Cytogenetic location: 7q21.2.
Variant type: Deletion.
Coding change: c.301del on transcript NM_000466.3 (MANE Select); coding-DNA position 301, one base deleted (G; older notation c.301delG).
Protein change: p.Val101fs; shifts the reading frame from valine 101.
Molecular consequence: frameshift variant. On other transcripts: 5 prime UTR variant (1).
Genome position (GRCh38, 1-based): chr7:92,519,051, C deleted on the plus strand (G on the coding strand, the reverse complement: PEX1 is on the minus strand); the first of 2 consecutive C bases (chr7:92,519,051-92,519,052); deleting either gives the same sequence. VCF-style (leftmost placement, unchanged base first): chr7-92519050-AC-A. GRCh37 (hg19) VCF-style: chr7-92148364-AC-A.
Other names: c.301del, p.Val101fs (NM_001282677.2); c.-359del (NM_001282678.2); short protein forms V101fs.
Identifiers: ClinVar variation 4818398 (VCV004818398.1).
Genomic context (GRCh38, chr7:92,519,050, plus strand): 5'-TTTACCAGTATCTCCCAATCATCTGCTGAGAGGGGTTCCACCTCAACTTGTTGACAAGAT[AC>A]CACATGGGAACATGGCTTGAGAAATACCTAGAAAAAATTAAAAATTTAAAACTACTTTAA-3'

ClinVar aggregate classification (germline): Likely pathogenic (1 of 4 stars; one submission).

Conditions:
Zellweger spectrum disorders (ZS). Also called: Zellweger Spectrum Disorder (ZSD); Zellweger syndrome; Zellweger Spectrum Disorder; Zellweger Spectrum. Identifiers: Orphanet 912, MedGen C0043459, MONDO:0019609.

Submission:

Natera, Inc.
Classification: Likely pathogenic for Zellweger syndrome. Last evaluated: 2025-10-27. Review status: criteria provided, single submitter. Criteria: Natera Variant Classification Schema (03/2026). Collection method: clinical testing. Allele origin: germline.
Comment: The c.301delG variant in PEX1 is a frameshift variant predicted to shift the reading frame beginning at codon 101 and leads to a stop codon 31 codons downstream. This variant is expected to result in nonsense mediated decay, truncation, or a dysfunctional protein product. This variant is rare in the general population with a frequency below the threshold expected for the associated phenotype(s). Given the available evidence, this variant is classified as Likely Pathogenic.